The following is an entry in ClinVar:

ClinVar aggregate classification (germline): Uncertain significance (1 of 4 stars; one submission).

Allele frequency attached by ClinVar (database versions not stated): gnomAD exomes below 0.00001.

Submission:

Mayo Clinic Laboratories, Mayo Clinic
Classification: Uncertain significance. Last evaluated: 2023-04-26. Review status: criteria provided, single submitter. Criteria: ACMG Guidelines, 2015. Collection method: clinical testing. Allele origin: germline. Observed: 1 variant allele.
Comment: BP4, PM2_supporting

NM_001005242.3(PKP2):c.7G>T (p.Ala3Ser)

Gene: PKP2 (plakophilin 2; minus strand). Cytogenetic location: 12p11.21.
Variant type: single nucleotide variant.
Coding change: c.7G>T on transcript NM_001005242.3 (MANE Select); coding-DNA position 7, G replaced by T.
Protein change: p.Ala3Ser; replaces alanine 3 with serine.
Molecular consequence: missense variant. On other transcripts: 5 prime UTR variant (4).
Genome position (GRCh38, 1-based): chr12:32,896,725, C>A on the plus strand (G>T on the coding strand, the complement: PKP2 is on the minus strand). VCF-style: chr12-32896725-C-A. GRCh37 (hg19) VCF-style: chr12-33049659-C-A.
Other names: p.Ala3Ser; c.7G>T, p.Ala3Ser (NM_001407155.1, NM_001407156.1, NM_001407157.1 and 2 more transcripts); c.-820G>T (NM_001407158.1, NM_001407162.1); c.-584G>T (NM_001407159.1, NM_001407160.1); short protein forms A3S.
Identifiers: ClinVar variation 2683190 (VCV002683190.1), dbSNP rs2541385290, ClinGen allele CA384371825.